The following is an entry in ClinVar:

NM_006759.4(UGP2):c.576-5dup

Gene: UGP2 (UDP-glucose pyrophosphorylase 2; plus strand). Cytogenetic location: 2p15.
Variant type: Duplication.
Coding change: c.576-5dup on transcript NM_006759.4 (MANE Select); 5 bases into the intron before coding-DNA position 576, one base duplicated (T; older notation c.576-5dupT).
Molecular consequence: intron variant.
Genome position (GRCh38, 1-based): chr2:63,885,584, T duplicated; the last of 12 consecutive T bases (chr2:63,885,573-63,885,584); duplicating any one gives the same sequence. VCF-style (leftmost placement, unchanged base first): chr2-63885572-C-CT. GRCh37 (hg19) VCF-style: chr2-64112706-C-CT.
Other names: c.216-5dup (NM_001377529.1, NM_001377526.1, NM_001377528.1 and 1 more transcripts); c.543-5dup (NM_001377525.1, NM_001001521.2, NM_001377524.1).
Identifiers: ClinVar variation 3059622 (VCV003059622.3), dbSNP rs751800377, ClinGen allele CA1683279.

ClinVar aggregate classification (germline): Likely benign. Review status: criteria provided, single submitter (1 of 4 stars). 2 submissions from 2 submitters: Likely benign (1). 1 of the submissions does not count toward it. Last evaluated 2024-11-26.

Conditions:
UGP2-related disorder. Also called: UGP2-related condition.

Submissions (2):

Blueprint Genetics
Classification: Likely benign. Last evaluated: 2024-11-26. Review status: criteria provided, single submitter. Criteria: ACMG Guidelines, 2015. Collection method: clinical testing. Allele origin: germline.

PreventionGenetics, part of Exact Sciences
Classification: Likely benign for UGP2-related condition. Last evaluated: 2020-12-14. Review status: no assertion criteria provided. Collection method: clinical testing. Allele origin: germline. Not counted in ClinVar's aggregate classification.
Comment: This variant is classified as likely benign based on ACMG/AMP sequence variant interpretation guidelines (Richards et al. 2015 PMID: 25741868, with internal and published modifications).